The following is an entry in ClinVar:

ClinVar aggregate classification (germline): Uncertain significance. Review status: criteria provided, multiple submitters, no conflicts (2 of 4 stars). 3 submissions from 3 submitters: Uncertain significance (3). Last evaluated 2025-04-14.

Conditions:
Charcot-Marie-Tooth disease type 2. Also called: Charcot-Marie-Tooth type 2. Identifiers: Orphanet 64746, MedGen C0270914, MONDO:0018993.
Inborn genetic diseases. Identifiers: MedGen C0950123, MeSH D030342.

Allele frequency attached by ClinVar (database versions not stated): gnomAD exomes below 0.00001.
gnomAD v4.1: 1 of 1,614,214 alleles (0.000062%); highest among the groups gnomAD compares: Non-Finnish European, 0.000085%; no homozygotes.

Submissions (3):

Labcorp Genetics (formerly Invitae), Labcorp
Classification: Uncertain significance for Charcot-Marie-Tooth disease type 2. Last evaluated: 2025-04-14. Review status: criteria provided, single submitter. Criteria: Invitae Variant Classification Sherloc (09022015). Collection method: clinical testing. Allele origin: germline.
Comment: This sequence change replaces valine, which is neutral and non-polar, with methionine, which is neutral and non-polar, at codon 33 of the BSCL2 protein (p.Val33Met). This variant is not present in population databases (gnomAD no frequency). This variant has not been reported in the literature in individuals affected with BSCL2-related conditions. ClinVar contains an entry for this variant (Variation ID: 1690427). Invitae Evidence Modeling of protein sequence and biophysical properties (such as structural, functional, and spatial information, amino acid conservation, physicochemical variation, residue mobility, and thermodynamic stability) indicates that this missense variant is not expected to disrupt BSCL2 protein function with a negative predictive value of 80%. In summary, the available evidence is currently insufficient to determine the role of this variant in disease. Therefore, it has been classified as a Variant of Uncertain Significance.

Ambry Genetics
Classification: Uncertain significance for Inborn genetic diseases. Last evaluated: 2023-03-06. Review status: criteria provided, single submitter. Criteria: Ambry Variant Classification Scheme 2023. Collection method: clinical testing. Allele origin: germline.

Laboratorio de Genetica e Diagnostico Molecular, Hospital Israelita Albert Einstein
Classification: Uncertain significance. Last evaluated: 2021-08-17. Review status: criteria provided, single submitter. Criteria: ACMG Guidelines, 2015. Collection method: clinical testing. Allele origin: germline. Affected: yes.
Comment: ACMG classification criteria: PM2, BP4

NM_001122955.4(BSCL2):c.289G>A (p.Val97Met)

Genes: BSCL2 (BSCL2 lipid droplet biogenesis associated, seipin; minus strand), HNRNPUL2-BSCL2 (HNRNPUL2-BSCL2 readthrough (NMD candidate); minus strand). Cytogenetic location: 11q12.3.
Variant type: single nucleotide variant.
Coding change: c.289G>A on transcript NM_001122955.4 (MANE Select); coding-DNA position 289, G replaced by A.
Protein change: p.Val97Met; replaces valine 97 with methionine.
Molecular consequence: missense variant. On other transcripts: non-coding transcript variant (1).
Genome position (GRCh38, 1-based): chr11:62,705,416, C>T on the plus strand (G>A on the coding strand, the complement: BSCL2 is on the minus strand). VCF-style: chr11-62705416-C-T. GRCh37 (hg19) VCF-style: chr11-62472888-C-T.
Other names: c.97G>A, p.Val33Met (NM_001130702.2, NM_032667.6); c.289G>A, p.Val97Met (NM_001386027.1, NM_001386028.1); short protein forms V33M, V97M.
Identifiers: ClinVar variation 1690427 (VCV001690427.9), dbSNP rs2083510633, ClinGen allele CA380970652.